The following is an entry in ClinVar:

NM_014795.4(ZEB2):c.3082C>T (p.Gln1028Ter)

Gene: ZEB2 (zinc finger E-box binding homeobox 2; minus strand). Cytogenetic location: 2q22.3.
Variant type: single nucleotide variant.
Coding change: c.3082C>T on transcript NM_014795.4 (MANE Select); coding-DNA position 3082, C replaced by T.
Protein change: p.Gln1028Ter; replaces glutamine 1028 with a stop codon.
Molecular consequence: nonsense.
Genome position (GRCh38, 1-based): chr2:144,390,014, G>A on the plus strand (C>T on the coding strand, the complement: ZEB2 is on the minus strand). VCF-style: chr2-144390014-G-A. GRCh37 (hg19) VCF-style: chr2-145147581-G-A.
Other names: c.3010C>T, p.Gln1004Ter (NM_001171653.2); short protein forms Q1004*, Q1028*.
Identifiers: ClinVar variation 4526340 (VCV004526340.2).
Genomic context (GRCh38, chr2:144,390,014, plus strand): 5'-GCCTTGAGTGCTCGATAAGGTGGTGCTTGTGTTTAAACGCTTTCTTACAAATCTGACACT[G>A]ATGTGGTCTTTTTCCTGGGAGAAAGAACAAGATGACAGGGTGATTAGTGTCTTTGCATGA-3'

ClinVar aggregate classification (germline): Pathogenic. Review status: criteria provided, multiple submitters, no conflicts (2 of 4 stars). 2 submissions from 2 submitters: Pathogenic (2). Last evaluated 2025-07-28.

Conditions:
Mowat-Wilson syndrome (MOWS). Also called: Classic Mowat-Wilson Syndrome. Identifiers: Orphanet 2152, MedGen C1856113, MONDO:0009341, OMIM 235730.

Submissions (2):

Centre of Medical Genetics, University Hospital Muenster
Classification: Pathogenic. Last evaluated: 2025-07-28. Review status: criteria provided, single submitter. Criteria: ACMG Guidelines, 2015. Collection method: clinical testing. Allele origin: unknown. Affected: yes. Observed: 1 variant allele, 1 heterozygote.
Comment: ACMG categories: PVS1,PM2_sup,PM6

Labcorp Genetics (formerly Invitae), Labcorp
Classification: Pathogenic for Mowat-Wilson syndrome. Last evaluated: 2025-07-10. Review status: criteria provided, single submitter. Criteria: Invitae Variant Classification Sherloc (09022015). Collection method: clinical testing. Allele origin: germline.
Comment: This sequence change creates a premature translational stop signal (p.Gln1028*) in the ZEB2 gene. While this is not anticipated to result in nonsense mediated decay, it is expected to disrupt the last 187 amino acid(s) of the ZEB2 protein. This variant is not present in population databases (gnomAD no frequency). This variant has not been reported in the literature in individuals affected with ZEB2-related conditions. This variant disrupts a region of the ZEB2 protein in which other variant(s) (p.Tyr1070_Ser1071del) have been determined to be pathogenic (internal data). This suggests that this is a clinically significant region of the protein, and that variants that disrupt it are likely to be disease-causing. For these reasons, this variant has been classified as Pathogenic.